The following is an entry in ClinVar:

NM_002693.3(POLG):c.1360del (p.Glu454fs)

Gene: POLG (DNA polymerase gamma, catalytic subunit; minus strand). Cytogenetic location: 15q26.1.
Variant type: Deletion.
Coding change: c.1360del on transcript NM_002693.3 (MANE Select); coding-DNA position 1360, one base deleted (G; older notation c.1360delG).
Protein change: p.Glu454fs; shifts the reading frame from glutamic acid 454.
Molecular consequence: frameshift variant.
Genome position (GRCh38, 1-based): chr15:89,327,240, C deleted on the plus strand (G on the coding strand, the reverse complement: POLG is on the minus strand); the first of 2 consecutive C bases (chr15:89,327,240-89,327,241); deleting either gives the same sequence. VCF-style (leftmost placement, unchanged base first): chr15-89327239-TC-T. GRCh37 (hg19) VCF-style: chr15-89870470-TC-T.
Other names: c.1360del, p.Glu454fs (NM_001126131.2); short protein forms E454fs.
Identifiers: ClinVar variation 5015471 (VCV005015471.1).

ClinVar aggregate classification (germline): Pathogenic (1 of 4 stars; one submission).

Conditions:
POLG-related disorder. Also called: POLG-Related Spectrum Disorders; POLG-related condition; POLG-Related Disorders. Identifiers: MedGen C4763519.

Submission:

Myriad Genetics, Inc.
Classification: Pathogenic for POLG-related disorder. Last evaluated: 2026-01-23. Review status: criteria provided, single submitter. Criteria: Myriad Autosomal Dominant, Autosomal Recessive and X-Linked Classification Criteria (2023). Collection method: clinical testing. Allele origin: unknown.
Comment: NM_002693.2(POLG):c.1360delG(E454Sfs*6) is expected to be pathogenic in the context of POLG-related disorders. This variant is predicted to lead to an abnormal or absent protein product due to the creation of a premature termination codon in POLG, a gene where loss-of-function variants are known to be pathogenic. Please note: this variant was assessed in the context of healthy population screening.